The following is an entry in ClinVar:

ClinVar aggregate classification (germline): Uncertain significance (1 of 4 stars; one submission).

Conditions:
Xeroderma pigmentosum, group F (XPF). Also called: XERODERMA PIGMENTOSUM, COMPLEMENTATION GROUP F; XERODERMA PIGMENTOSUM VI; XP, GROUP F; ERCC4-Related Xeroderma Pigmentosum; XERODERMA PIGMENTOSUM, TYPE F; Xeroderma pigmentosum, type 6. Identifiers: MedGen C0268140, MONDO:0010215, OMIM 278760.
Fanconi anemia complementation group Q. Identifiers: Orphanet 84, MedGen C3808988, MONDO:0014108, OMIM 615272.
Cockayne syndrome. Identifiers: Orphanet 191, MedGen C0009207, MONDO:0016006.

Allele frequency attached by ClinVar (database versions not stated): gnomAD exomes below 0.00001; gnomAD 0.00001; TOPMed 0.00001.
gnomAD v4.1: 4 of 1,614,094 alleles (0.00025%); highest among the groups gnomAD compares: Non-Finnish European, 0.00034%; no homozygotes.

Submission:

Labcorp Genetics (formerly Invitae), Labcorp
Classification: Uncertain significance for Fanconi anemia complementation group Q; Xeroderma pigmentosum, group F; Cockayne syndrome. Last evaluated: 2024-02-12. Review status: criteria provided, single submitter. Criteria: Invitae Variant Classification Sherloc (09022015). Collection method: clinical testing. Allele origin: germline.
Comment: This sequence change replaces arginine, which is basic and polar, with cysteine, which is neutral and slightly polar, at codon 701 of the ERCC4 protein (p.Arg701Cys). This variant is present in population databases (no rsID available, gnomAD 0.007%). This variant has not been reported in the literature in individuals affected with ERCC4-related conditions. ClinVar contains an entry for this variant (Variation ID: 953866). Advanced modeling of protein sequence and biophysical properties (such as structural, functional, and spatial information, amino acid conservation, physicochemical variation, residue mobility, and thermodynamic stability) has been performed at Invitae for this missense variant, however the output from this modeling did not meet the statistical confidence thresholds required to predict the impact of this variant on ERCC4 protein function. In summary, the available evidence is currently insufficient to determine the role of this variant in disease. Therefore, it has been classified as a Variant of Uncertain Significance.

NM_005236.3(ERCC4):c.2101C>T (p.Arg701Cys)

Gene: ERCC4 (ERCC excision repair 4, endonuclease catalytic subunit; plus strand). Cytogenetic location: 16p13.12.
Variant type: single nucleotide variant.
Coding change: c.2101C>T on transcript NM_005236.3 (MANE Select); coding-DNA position 2101, C replaced by T.
Protein change: p.Arg701Cys; replaces arginine 701 with cysteine.
Molecular consequence: missense variant.
Genome position (GRCh38, 1-based): chr16:13,947,697, C>T. VCF-style: chr16-13947697-C-T. GRCh37 (hg19) VCF-style: chr16-14041554-C-T.
Other names: short protein forms R701C.
Identifiers: ClinVar variation 953866 (VCV000953866.9), dbSNP rs772728961, ClinGen allele CA394821715.